The following is an entry in ClinVar:

ClinVar aggregate classification (germline): Uncertain significance (1 of 4 stars; one submission).

Conditions:
Duchenne muscular dystrophy (DMD). Also called: MUSCULAR DYSTROPHY, PSEUDOHYPERTROPHIC PROGRESSIVE, DUCHENNE TYPE; Duchenne Muscular Dystrophy (DMD). Identifiers: Orphanet 98896, MedGen C0013264, MONDO:0010679, OMIM 310200.

Submission:

Labcorp Genetics (formerly Invitae), Labcorp
Classification: Uncertain significance for Duchenne muscular dystrophy. Last evaluated: 2024-10-18. Review status: criteria provided, single submitter. Criteria: Invitae Variant Classification Sherloc (09022015). Collection method: clinical testing. Allele origin: germline.
Comment: This sequence change replaces proline, which is neutral and non-polar, with glutamine, which is neutral and polar, at codon 2462 of the DMD protein (p.Pro2462Gln). This variant is not present in population databases (gnomAD no frequency). This variant has not been reported in the literature in individuals affected with DMD-related conditions. Invitae Evidence Modeling of protein sequence and biophysical properties (such as structural, functional, and spatial information, amino acid conservation, physicochemical variation, residue mobility, and thermodynamic stability) indicates that this missense variant is not expected to disrupt DMD protein function with a negative predictive value of 95%. In summary, the available evidence is currently insufficient to determine the role of this variant in disease. Therefore, it has been classified as a Variant of Uncertain Significance.

NM_004006.3(DMD):c.7385C>A (p.Pro2462Gln)

Gene: DMD (dystrophin; minus strand). Cytogenetic location: Xp21.1.
Variant type: single nucleotide variant.
Coding change: c.7385C>A on transcript NM_004006.3 (MANE Select); coding-DNA position 7385, C replaced by A.
Protein change: p.Pro2462Gln; replaces proline 2462 with glutamine.
Molecular consequence: missense variant.
Genome position (GRCh38, 1-based): chrX:31,774,117, G>T on the plus strand (C>A on the coding strand, the complement: DMD is on the minus strand). VCF-style: chrX-31774117-G-T. GRCh37 (hg19) VCF-style: chrX-31792234-G-T.
Other names: c.3353C>A, p.Pro1118Gln (NM_004012.4); c.5C>A, p.Pro2Gln (NM_004013.3, NM_004020.4, NM_004021.3 and 2 more transcripts); c.7361C>A, p.Pro2454Gln (NM_000109.4); c.7373C>A, p.Pro2458Gln (NM_004009.3); c.7016C>A, p.Pro2339Gln (NM_004010.3); c.3362C>A, p.Pro1121Gln (NM_004011.4); short protein forms P1118Q, P1121Q, P2339Q, P2462Q, P2458Q, P2454Q, P2Q.
Identifiers: ClinVar variation 2874182 (VCV002874182.3), dbSNP rs2090513117, ClinGen allele CA412659043.
Genomic context (GRCh38, chrX:31,774,117, plus strand): 5'-AGTTCTGTCCAAGCCCGGTTGAAATCTGCCAGAGCAGGTACCTCCAACATCAAGGAAGAT[G>T]GCATTTCTAGTTTGGAGATGGCAGTTTCCTTAGTAACCACAGGTTGTGTCACCAGAGTAA-3'
Protein context (NP_003997.2, residues 2452-2472): KETAISKLEM[Pro2462Gln]SSLMLEVPAL